The following is an entry in ClinVar:

ClinVar aggregate classification (germline): Uncertain significance (1 of 4 stars; one submission).

Submission:

Labcorp Genetics (formerly Invitae), Labcorp
Classification: Uncertain significance. Last evaluated: 2022-08-29. Review status: criteria provided, single submitter. Criteria: Invitae Variant Classification Sherloc (09022015). Collection method: clinical testing. Allele origin: germline.
Comment: This sequence change replaces glycine, which is neutral and non-polar, with serine, which is neutral and polar, at codon 1518 of the NSD1 protein (p.Gly1518Ser). This variant is not present in population databases (gnomAD no frequency). This variant has not been reported in the literature in individuals affected with NSD1-related conditions. Advanced modeling of protein sequence and biophysical properties (such as structural, functional, and spatial information, amino acid conservation, physicochemical variation, residue mobility, and thermodynamic stability) performed at Invitae indicates that this missense variant is not expected to disrupt NSD1 protein function. In summary, the available evidence is currently insufficient to determine the role of this variant in disease. Therefore, it has been classified as a Variant of Uncertain Significance.

NM_022455.5(NSD1):c.4552G>A (p.Gly1518Ser)

Gene: NSD1 (nuclear receptor binding SET domain protein 1; plus strand). Cytogenetic location: 5q35.3.
Variant type: single nucleotide variant.
Coding change: c.4552G>A on transcript NM_022455.5 (MANE Select); coding-DNA position 4552, G replaced by A.
Protein change: p.Gly1518Ser; replaces glycine 1518 with serine.
Molecular consequence: missense variant.
Genome position (GRCh38, 1-based): chr5:177,248,235, G>A. VCF-style: chr5-177248235-G-A. GRCh37 (hg19) VCF-style: chr5-176675236-G-A.
Other names: c.3679G>A, p.Gly1227Ser (NM_001365684.2, NM_001409306.1, NM_001409307.1 and 3 more transcripts); c.4552G>A, p.Gly1518Ser (NM_001409301.1, NM_001409302.1, NM_001409303.1); c.4132G>A, p.Gly1378Ser (NM_001409304.1); c.3799G>A, p.Gly1267Ser (NM_001409305.1); short protein forms G1227S, G1249S, G1267S, G1378S, G1518S.
Identifiers: ClinVar variation 1716346 (VCV001716346.6), dbSNP rs1238742232, ClinGen allele CA362349689.